The following is an entry in ClinVar:

NM_058179.4(PSAT1):c.677C>T (p.Ser226Leu)

Gene: PSAT1 (phosphoserine aminotransferase 1; plus strand). Cytogenetic location: 9q21.2.
Variant type: single nucleotide variant.
Coding change: c.677C>T on transcript NM_058179.4 (MANE Select); coding-DNA position 677, C replaced by T.
Protein change: p.Ser226Leu; replaces serine 226 with leucine.
Molecular consequence: missense variant.
Genome position (GRCh38, 1-based): chr9:78,308,520, C>T. VCF-style: chr9-78308520-C-T. GRCh37 (hg19) VCF-style: chr9-80923436-C-T.
Other names: c.677C>T, p.Ser226Leu (NM_021154.5); short protein forms S226L.
Identifiers: ClinVar variation 976999 (VCV000976999.6), dbSNP rs1479566156, ClinGen allele CA373874292.
Genomic context (GRCh38, chr9:78,308,520, plus strand): 5'-GGGTCACCGTGGTGATTGTCCGTGATGACCTGCTGGGGTTTGCCCTCCGAGAGTGCCCCT[C>T]GGTCCTGGAATACAAGGTGCAGGCTGGAAACAGCTCCTTGTACAACACGCCTCCATGTTT-3'
Protein context (NP_478059.1, residues 216-236): LLGFALRECP[Ser226Leu]VLEYKVQAGN

ClinVar aggregate classification (germline): Uncertain significance. Review status: criteria provided, multiple submitters, no conflicts (2 of 4 stars). 3 submissions from 3 submitters: Uncertain significance (2). 1 of the submissions does not count toward it. Last evaluated 2022-02-28.

Conditions:
Neu-Laxova syndrome 2. Identifiers: Orphanet 2671, Orphanet 583602, MedGen C4015019, MONDO:0014466, OMIM 616038.
PSAT deficiency. Identifiers: Orphanet 284417, MedGen C1970253, MONDO:0012596, OMIM 610992.

Allele frequency attached by ClinVar (database versions not stated): gnomAD 0.00001; gnomAD exomes 0.00001; TOPMed 0.00003.
gnomAD v4.1: 12 of 1,613,888 alleles (0.00074%); highest among the groups gnomAD compares: African/African-American, 0.004%; no homozygotes.

Submissions (3):

Labcorp Genetics (formerly Invitae), Labcorp
Classification: Uncertain significance for Neu-Laxova syndrome 2. Last evaluated: 2022-02-28. Review status: criteria provided, single submitter. Criteria: Invitae Variant Classification Sherloc (09022015). Collection method: clinical testing. Allele origin: germline.
Comment: This sequence change replaces serine, which is neutral and polar, with leucine, which is neutral and non-polar, at codon 226 of the PSAT1 protein (p.Ser226Leu). This variant is present in population databases (no rsID available, gnomAD 0.002%). This variant has not been reported in the literature in individuals affected with PSAT1-related conditions. ClinVar contains an entry for this variant (Variation ID: 976999). Algorithms developed to predict the effect of missense changes on protein structure and function (SIFT, PolyPhen-2, Align-GVGD) all suggest that this variant is likely to be tolerated. Experimental studies are conflicting or provide insufficient evidence to determine the effect of this variant on PSAT1 function (PMID: 32077105). In summary, the available evidence is currently insufficient to determine the role of this variant in disease. Therefore, it has been classified as a Variant of Uncertain Significance.

Baylor Genetics
Classification: Uncertain significance for PSAT deficiency. Last evaluated: 2019-09-27. Review status: criteria provided, single submitter. Criteria: ACMG Guidelines, 2015. Collection method: clinical testing. Allele origin: unknown. Affected: yes.
Comment: This variant was determined to be of uncertain significance according to ACMG Guidelines, 2015 [PMID:25741868].

Dudley Research Group, Pacific Northwest Research Institute
No classification provided. Review status: no classification provided. Collection method: research, in vivo. Allele origin: unknown, not applicable. Functional consequence: functionally_normal. Not counted in ClinVar's aggregate classification.

Literature cited by the submitters: PubMed 32077105 (cited by Labcorp Genetics (formerly Invitae), Labcorp).